The following is an entry in ClinVar:

NM_000393.5(COL5A2):c.2391+12_2391+13insAAGAGTAAGTGAAAGTGGCCGGGCGCGGTGGCTCACGCCTGTAATCCCAGCACTTTGGGAGGCCGAGGCGGGCGGAGCACGAGGTCAGGAGNNNNNNNNNNAAAAAAAAAAAAAAAAAAAA

Gene: COL5A2 (collagen type V alpha 2 chain; minus strand). Cytogenetic location: 2q32.2.
Variant type: Insertion.
Coding change: c.2391+12_2391+13insAAGAGTAAGTGAAAGTGGCCGGGCGCGGTGGCTCACGCCTGTAATCCCAGCACTTTGGGAGGCCGAGGCGGGCGGAGCACGAGGTCAGGAGNNNNNNNNNNAAAAAAAAAAAAAAAAAAAA on transcript NM_000393.5 (MANE Select); bases 12 to 13 of the intron after coding-DNA position 2391, AAGAGTAAGTGAAAGTGGCCGGGCGCGGTGGCTCACGCCTGTAATCCCAGCACTTTGGGAGGCCGAGGCGGGCGGAGCACGAGGTCAGGAGNNNNNNNNNNAAAAAAAAAAAAAAAAAAAA inserted.
Molecular consequence: splice donor variant.
Genome position: GRCh38: chr2:189,056,976-189,056,977. GRCh37 (hg19): chr2:189,921,702-189,921,703.
Identifiers: ClinVar variation 3724649 (VCV003724649.2).

ClinVar aggregate classification (germline): Uncertain significance (1 of 4 stars; one submission).

Conditions:
Ehlers-Danlos syndrome, classic type, 1 (EDSCL1). Also called: EHLERS-DANLOS SYNDROME, GRAVIS TYPE; EHLERS-DANLOS SYNDROME, SEVERE CLASSIC TYPE; Ehlers-Danlos syndrome, type 1; Ehlers-Danlos Syndrome, Classic Type, COL5A1-Related; EDS I. Identifiers: MedGen C0268335, MONDO:0019567, OMIM 130000.

Submission:

Labcorp Genetics (formerly Invitae), Labcorp
Classification: Uncertain significance for Ehlers-Danlos syndrome, classic type, 1. Last evaluated: 2024-11-04. Review status: criteria provided, single submitter. Criteria: Invitae Variant Classification Sherloc (09022015). Collection method: clinical testing. Allele origin: germline.
Comment: This sequence change falls in intron 35 of the COL5A2 gene. It does not directly change the encoded amino acid sequence of the COL5A2 protein. This variant is not present in population databases (gnomAD no frequency). This variant has not been reported in the literature in individuals affected with COL5A2-related conditions. In summary, the available evidence is currently insufficient to determine the role of this variant in disease. Therefore, it has been classified as a Variant of Uncertain Significance.